The following is an entry in ClinVar:

NM_020121.4(UGGT2):c.4105G>A (p.Gly1369Arg)

Gene: UGGT2 (UDP-glucose glycoprotein glucosyltransferase 2; minus strand). Cytogenetic location: 13q32.1.
Variant type: single nucleotide variant.
Coding change: c.4105G>A on transcript NM_020121.4 (MANE Select); coding-DNA position 4105, G replaced by A.
Protein change: p.Gly1369Arg; replaces glycine 1369 with arginine.
Molecular consequence: missense variant.
Genome position (GRCh38, 1-based): chr13:95,854,379, C>T on the plus strand (G>A on the coding strand, the complement: UGGT2 is on the minus strand). VCF-style: chr13-95854379-C-T. GRCh37 (hg19) VCF-style: chr13-96506633-C-T.
Other names: short protein forms G1369R.
Identifiers: ClinVar variation 774710 (VCV000774710.17), dbSNP rs145358686, ClinGen allele CA7021823.

ClinVar aggregate classification (germline): Likely benign. Review status: criteria provided, multiple submitters, no conflicts (2 of 4 stars). 3 submissions from 3 submitters: Likely benign (3). Last evaluated 2026-03-01.

Allele frequency attached by ClinVar (database versions not stated): 1000 Genomes Project 30x 0.00187; 1000 Genomes Project 0.00200; ExAC 0.00302; TOPMed 0.00309; ESP Exome Variant Server 0.00315; gnomAD exomes 0.00326 and 0.00514; gnomAD 0.00371 and 0.00377.
gnomAD v4.1: 8,047 of 1,613,808 alleles (0.5%); highest among the groups gnomAD compares: Non-Finnish European, 0.6%; 28 homozygotes.

Submissions (3):

CeGaT Center for Human Genetics Tuebingen
Classification: Likely benign. Last evaluated: 2026-03-01. Review status: criteria provided, single submitter. Criteria: CeGaT Center For Human Genetics Tuebingen Variant Classification Criteria Version 2. Collection method: clinical testing. Allele origin: germline. Affected: yes. Observed: 2 variant alleles.
Comment: UGGT2: BS2

Labcorp Genetics (formerly Invitae), Labcorp
Classification: Likely benign. Last evaluated: 2018-03-29. Review status: criteria provided, single submitter. Criteria: Invitae Variant Classification Sherloc (09022015). Collection method: clinical testing. Allele origin: germline.

Breakthrough Genomics
Classification: Likely benign. Review status: criteria provided, single submitter. Criteria: ACMG Guidelines, 2015. Collection method: not provided. Allele origin: germline. Inheritance: Unknown mechanism. Affected: yes.